The following is an entry in ClinVar:

ClinVar aggregate classification (germline): Likely pathogenic (1 of 4 stars; one submission).

Conditions:
Megaconial type congenital muscular dystrophy (MDCMC). Also called: CHKB-Related Muscular Dystrophy; CHKB-Related Muscle Diseases; MUSCULAR DYSTROPHY, CONGENITAL, WITH MITOCHONDRIAL STRUCTURAL ABNORMALITIES. Identifiers: Orphanet 280671, MedGen C1865233, MONDO:0011246, OMIM 602541.

Submission:

Labcorp Genetics (formerly Invitae), Labcorp
Classification: Likely pathogenic for Megaconial type congenital muscular dystrophy. Last evaluated: 2026-01-26. Review status: criteria provided, single submitter. Criteria: Invitae Variant Classification Sherloc (09022015). Collection method: clinical testing. Allele origin: germline.
Comment: This sequence change affects an acceptor splice site in intron 5 of the CHKB gene. It is expected to disrupt RNA splicing. Variants that disrupt the donor or acceptor splice site typically lead to a loss of protein function (PMID: 16199547), and loss-of-function variants in CHKB are known to be pathogenic (PMID: 21665002). This variant is present in population databases (rs747744641, gnomAD 0.003%). This variant has not been reported in the literature in individuals affected with CHKB-related conditions. Algorithms developed to predict the effect of sequence changes on RNA splicing suggest that this variant may disrupt the consensus splice site. In summary, the currently available evidence indicates that the variant is pathogenic, but additional data are needed to prove that conclusively. Therefore, this variant has been classified as Likely Pathogenic.

Literature cited by the submitters: PubMed 16199547; PubMed 21665002.

NM_005198.5(CHKB):c.678-2A>G

Genes: CHKB (choline kinase beta; minus strand), CHKB-CPT1B (CHKB-CPT1B readthrough (NMD candidate); minus strand). Cytogenetic location: 22q13.33.
Variant type: single nucleotide variant.
Coding change: c.678-2A>G on transcript NM_005198.5 (MANE Select); the canonical splice acceptor site of the intron before coding-DNA position 678, A replaced by G.
Molecular consequence: splice acceptor variant.
Genome position (GRCh38, 1-based): chr22:50,580,418, T>C on the plus strand (A>G on the coding strand, the complement: CHKB is on the minus strand). VCF-style: chr22-50580418-T-C. GRCh37 (hg19) VCF-style: chr22-51018847-T-C.
Identifiers: ClinVar variation 4735782 (VCV004735782.1).